The following is an entry in ClinVar:

ClinVar aggregate classification (germline): Uncertain significance (1 of 4 stars; one submission).

Conditions:
Primary ciliary dyskinesia. Also called: Ciliary dyskinesia. Identifiers: Orphanet 244, MedGen C0008780, MONDO:0016575, HP:0012265.

Submission:

Labcorp Genetics (formerly Invitae), Labcorp
Classification: Uncertain significance for Primary ciliary dyskinesia. Last evaluated: 2022-08-16. Review status: criteria provided, single submitter. Criteria: Invitae Variant Classification Sherloc (09022015). Collection method: clinical testing. Allele origin: germline.
Comment: Advanced modeling of protein sequence and biophysical properties (such as structural, functional, and spatial information, amino acid conservation, physicochemical variation, residue mobility, and thermodynamic stability) performed at Invitae indicates that this missense variant is not expected to disrupt DNAH5 protein function. ClinVar contains an entry for this variant (Variation ID: 665975). This missense change has been observed in individual(s) with clinical features of DNAH5-related conditions (Invitae). This variant is not present in population databases (gnomAD no frequency). This sequence change replaces phenylalanine, which is neutral and non-polar, with leucine, which is neutral and non-polar, at codon 634 of the DNAH5 protein (p.Phe634Leu). In summary, the available evidence is currently insufficient to determine the role of this variant in disease. Therefore, it has been classified as a Variant of Uncertain Significance.

NM_001369.3(DNAH5):c.1900T>C (p.Phe634Leu)

Gene: DNAH5 (dynein axonemal heavy chain 5; minus strand). Cytogenetic location: 5p15.2.
Variant type: single nucleotide variant.
Coding change: c.1900T>C on transcript NM_001369.3 (MANE Select); coding-DNA position 1900, T replaced by C.
Protein change: p.Phe634Leu; replaces phenylalanine 634 with leucine.
Molecular consequence: missense variant.
Genome position (GRCh38, 1-based): chr5:13,901,404, A>G on the plus strand (T>C on the coding strand, the complement: DNAH5 is on the minus strand). VCF-style: chr5-13901404-A-G. GRCh37 (hg19) VCF-style: chr5-13901513-A-G.
Other names: short protein forms F634L.
Identifiers: ClinVar variation 665975 (VCV000665975.9), dbSNP rs1580809647, ClinGen allele CA359205555.